The following is an entry in ClinVar:

NM_015466.4(PTPN23):c.2155C>T (p.Arg719Trp)

Gene: PTPN23 (protein tyrosine phosphatase non-receptor type 23; plus strand). Cytogenetic location: 3p21.31.
Variant type: single nucleotide variant.
Coding change: c.2155C>T on transcript NM_015466.4 (MANE Select); coding-DNA position 2155, C replaced by T.
Protein change: p.Arg719Trp; replaces arginine 719 with tryptophan.
Molecular consequence: missense variant.
Genome position (GRCh38, 1-based): chr3:47,409,953, C>T. VCF-style: chr3-47409953-C-T. GRCh37 (hg19) VCF-style: chr3-47451443-C-T.
Other names: c.1777C>T, p.Arg593Trp (NM_001304482.2); short protein forms R719W, R593W.
Identifiers: ClinVar variation 1382072 (VCV001382072.5), dbSNP rs746754206, ClinGen allele CA2365960.

ClinVar aggregate classification (germline): Uncertain significance (1 of 4 stars; one submission).

Allele frequency attached by ClinVar (database versions not stated): gnomAD 0.00001; ExAC 0.00002; TOPMed 0.00002; gnomAD exomes 0.00003.
gnomAD v4.1: 9 of 1,569,216 alleles (0.00057%); highest among the groups gnomAD compares: Admixed American, 0.0058%; no homozygotes.

Submission:

Labcorp Genetics (formerly Invitae), Labcorp
Classification: Uncertain significance. Last evaluated: 2022-07-12. Review status: criteria provided, single submitter. Criteria: Invitae Variant Classification Sherloc (09022015). Collection method: clinical testing. Allele origin: germline.
Comment: This sequence change replaces arginine, which is basic and polar, with tryptophan, which is neutral and slightly polar, at codon 719 of the PTPN23 protein (p.Arg719Trp). The frequency data for this variant in the population databases is considered unreliable, as metrics indicate poor data quality at this position in the gnomAD database. This variant has not been reported in the literature in individuals affected with PTPN23-related conditions. ClinVar contains an entry for this variant (Variation ID: 1382072). Algorithms developed to predict the effect of missense changes on protein structure and function are either unavailable or do not agree on the potential impact of this missense change (SIFT: "Deleterious"; PolyPhen-2: "Not Available"; Align-GVGD: "Class C0"). In summary, the available evidence is currently insufficient to determine the role of this variant in disease. Therefore, it has been classified as a Variant of Uncertain Significance.